The following is an entry in ClinVar:

ClinVar aggregate classification (germline): Uncertain significance (1 of 4 stars; one submission).

Submission:

Ambry Genetics
Classification: Uncertain significance. Last evaluated: 2025-11-27. Review status: criteria provided, single submitter. Criteria: Ambry Variant Classification Scheme 2023. Collection method: clinical testing. Allele origin: germline.
Comment: The p.Q1149H variant (also known as c.3447G>T), located in coding exon 13 of the CDK12 gene, results from a G to T substitution at nucleotide position 3447. The glutamine at codon 1149 is replaced by histidine, an amino acid with highly similar properties. This amino acid position is conserved. In addition, the in silico prediction for this alteration is inconclusive. Based on the available evidence, the clinical significance of this variant remains unclear.

NM_016507.4(CDK12):c.3447G>T (p.Gln1149His)

Gene: CDK12 (cyclin dependent kinase 12; plus strand). Cytogenetic location: 17q12.
Variant type: single nucleotide variant.
Coding change: c.3447G>T on transcript NM_016507.4 (MANE Select); coding-DNA position 3447, G replaced by T.
Protein change: p.Gln1149His; replaces glutamine 1149 with histidine.
Molecular consequence: missense variant.
Genome position (GRCh38, 1-based): chr17:39,526,003, G>T. VCF-style: chr17-39526003-G-T. GRCh37 (hg19) VCF-style: chr17-37682256-G-T.
Other names: c.3447G>T, p.Gln1149His (NM_015083.4); short protein forms Q1149H.
Identifiers: ClinVar variation 4651470 (VCV004651470.1).